The following is an entry in ClinVar:

NM_001034853.2(RPGR):c.2476_2477del (p.Arg826fs)

Gene: RPGR (retinitis pigmentosa GTPase regulator; minus strand). Cytogenetic location: Xp11.4.
Variant type: Microsatellite.
Coding change: c.2476_2477del on transcript NM_001034853.2 (MANE Select); coding-DNA positions 2476 to 2477, 2 bases deleted (AG; older notation c.2476_2477delAG).
Protein change: p.Arg826fs; shifts the reading frame from arginine 826.
Molecular consequence: frameshift variant. On other transcripts: intron variant (8).
Genome position (GRCh38, 1-based): chrX:38,286,522-38,286,523, CT deleted on the plus strand (AG on the coding strand, the reverse complement: RPGR is on the minus strand); deleting any 2 consecutive bases within chrX:38,286,522-38,286,528 gives the same sequence; the c. name uses the placement nearest the transcript's 3' end. VCF-style (leftmost placement, unchanged base first): chrX-38286521-CCT-C. GRCh37 (hg19) VCF-style: chrX-38145774-CCT-C.
Other names: NM_001034853.2(RPGR):c.2476_2477del; p.Arg826fs; c.1569+4432AG[2] (NM_001367249.1, NM_001367250.1); c.1902+567AG[2] (NM_001367245.1); c.1386+4432AG[2] (NM_001367251.1); c.1719+567AG[2] (NM_001367246.1); c.1572+4432AG[2] (NM_001367247.1); c.1905+567AG[2] (NM_000328.3); and 1 more; short protein forms R826fs.
Identifiers: ClinVar variation 871440 (VCV000871440.51), dbSNP rs2067179633, ClinGen allele CA1139667422.

ClinVar aggregate classification (germline): Pathogenic. Review status: reviewed by expert panel (3 of 4 stars). 7 submissions from 7 submitters: Pathogenic (1). 6 of the submissions do not count toward it. Last evaluated 2026-11-20.

Conditions:
Retinal dystrophy. Also called: Inherited retinal dystrophy. Identifiers: Orphanet 71862, MedGen C0854723, MeSH D058499, MONDO:0019118, HP:0000556.
Primary ciliary dyskinesia. Also called: Ciliary dyskinesia. Identifiers: Orphanet 244, MedGen C0008780, MONDO:0016575, HP:0012265.
Retinitis pigmentosa (RP). Identifiers: Orphanet 791, MedGen C0035334, MeSH D012174, MONDO:0019200, OMIM 268000. Inheritance: Autosomal dominant, autosomal recessive and X linked inheritance.
RPGR-related retinopathy. Also called: RPGR retinopathy. Identifiers: MedGen CN305589, MONDO:0100437.

Submissions (7):

ClinGen X-linked Inherited Retinal Disease Variant Curation Expert Panel, ClinGen
Classification: Pathogenic for RPGR-related retinopathy. Last evaluated: 2026-11-20. Review status: reviewed by expert panel. Criteria: ClinGen X LinkedIRD ACMG Specifications RPGR V1.0.0. Collection method: curation. Allele origin: germline. Inheritance: X-linked inheritance.
Comment: The NM_001034853.2:c.2476_2477del variant in the RPGR gene is a frameshift in amino acid 826 and results in a premature stop codon after 8 amino acids and causes a truncated protein. This variant is absent from hemizygous individuals in gnomAD v4.1.2 (PM2_Supporting). This is a nonsense variant that introduces a premature stop codon between amino acids 1 and 1132 that is predicted to either trigger nonsense-mediated decay or to disrupt a critical C-terminal region required for proper glutamylation of RPGR (PVS1, PMID: 36445968). The variant has been reported to segregate with retinal dystrophy through at least 2 affected meioses from 1 family (PP1; PMID: 24938718). This variant has been reported in at least 2 apparently unrelated probands meeting one of the PS4 requirements of a male with some functional vision impairment by age 30 and/or decreased or absent ERG responses, or a female with functional visual abnormality and documentation of a male relative affected with retinitis pigmentosa (PMIDs: 28863407, 32531858, PS4_Supporting). In summary, this variant is classified as Pathogenic for RPGR-related retinopathy based on the ClinGen X-linked Inherited Retinal Disease Expert Panel Specifications to the ACMG/AMP Variant Interpretation Guidelines for RPGR, Version 1.0.0, using the following evidence codes: PVS1, PM2_supporting, PS4_supporting, and PP1.

CeGaT Center for Human Genetics Tuebingen
Classification: Pathogenic. Last evaluated: 2026-07-01. Review status: criteria provided, single submitter. Criteria: CeGaT Center For Human Genetics Tuebingen Variant Classification Criteria Version 2. Collection method: clinical testing. Allele origin: germline. Affected: yes. Observed: 4 variant alleles. Not counted in ClinVar's aggregate classification.
Comment: RPGR: PS4, PVS1:Strong, PM2

Labcorp Genetics (formerly Invitae), Labcorp
Classification: Pathogenic for Primary ciliary dyskinesia. Last evaluated: 2024-05-25. Review status: criteria provided, single submitter. Criteria: Invitae Variant Classification Sherloc (09022015). Collection method: clinical testing. Allele origin: germline. Not counted in ClinVar's aggregate classification.
Comment: This sequence change creates a premature translational stop signal (p.Arg826Glyfs*8) in the RPGR (ORF15) gene. While this is not anticipated to result in nonsense mediated decay, it is expected to disrupt the last 327 amino acid(s) of the RPGR (ORF15) protein. This variant is not present in population databases (gnomAD no frequency). This premature translational stop signal has been observed in individuals with retinitis pigmentosa (PMID: 12402343, 28322733, 28863407, 32000842). This variant is also known as g.ORF15+723_724delAG. ClinVar contains an entry for this variant (Variation ID: 871440). For these reasons, this variant has been classified as Pathogenic.

Broad Center for Mendelian Genomics, Broad Institute of MIT and Harvard
Classification: Likely pathogenic for Retinitis pigmentosa. Last evaluated: 2021-04-01. Review status: criteria provided, single submitter. Criteria: ACMG Guidelines, 2015. Collection method: curation. Allele origin: germline. Inheritance: X-linked inheritance. Affected: yes. Not counted in ClinVar's aggregate classification.
Comment: Through a review of available evidence we were able to apply the following criteria: PVS1, PM2. Based on this evidence we have classified this variant as Likely Pathogenic. If you have any questions about the classification please reach out to the Pierce Lab.

Institute of Medical Genetics and Applied Genomics, University Hospital Tübingen
Classification: Pathogenic. Last evaluated: 2020-10-23. Review status: criteria provided, single submitter. Criteria: ACMG Guidelines, 2015. Collection method: clinical testing. Allele origin: germline. Inheritance: X-linked recessive inheritance. Affected: yes. Not counted in ClinVar's aggregate classification.

Institute of Human Genetics, Univ. Regensburg, Univ. Regensburg
Classification: Pathogenic for Retinal dystrophy. Last evaluated: 2019-01-01. Review status: criteria provided, single submitter. Criteria: ACMG Guidelines, 2015. Collection method: clinical testing. Allele origin: germline. Affected: yes. Not counted in ClinVar's aggregate classification.

PreventionGenetics, part of Exact Sciences
Classification: Pathogenic. Last evaluated: 2016-05-06. Review status: criteria provided, single submitter. Criteria: ACMG Guidelines, 2015. Collection method: clinical testing. Allele origin: germline. Not counted in ClinVar's aggregate classification.

Literature cited by the submitters: PubMed 12402343 (cited by Labcorp Genetics (formerly Invitae), Labcorp and Institute of Human Genetics, Univ. Regensburg, Univ. Regensburg); PubMed 28322733 (cited by Labcorp Genetics (formerly Invitae), Labcorp); PubMed 28863407 (cited by Labcorp Genetics (formerly Invitae), Labcorp and Institute of Human Genetics, Univ. Regensburg, Univ. Regensburg); PubMed 32000842 (cited by Labcorp Genetics (formerly Invitae), Labcorp and Institute of Human Genetics, Univ. Regensburg, Univ. Regensburg); PubMed 34906470 (cited by Broad Center for Mendelian Genomics, Broad Institute of MIT and Harvard); PubMed 34745198 (cited by Institute of Human Genetics, Univ. Regensburg, Univ. Regensburg).